The following is an entry in ClinVar:

NM_024675.4(PALB2):c.2841G>A (p.Leu947=)

Gene: PALB2 (partner and localizer of BRCA2; minus strand). Cytogenetic location: 16p12.2.
Variant type: single nucleotide variant.
Coding change: c.2841G>A on transcript NM_024675.4 (MANE Select); coding-DNA position 2841, G replaced by A.
Protein change: p.Leu947=; no amino-acid change (leucine 947 retained).
Molecular consequence: synonymous variant. On other transcripts: intron variant (1).
Genome position (GRCh38, 1-based): chr16:23,623,124, C>T on the plus strand (G>A on the coding strand, the complement: PALB2 is on the minus strand). VCF-style: chr16-23623124-C-T. GRCh37 (hg19) VCF-style: chr16-23634445-C-T.
Other names: c.2781G>A, p.Leu927= (NM_001407296.1); c.2769G>A, p.Leu923= (NM_001407297.1); c.2679G>A, p.Leu893= (NM_001407298.1, NM_001407302.1); c.2841G>A, p.Leu947= (NM_001407299.1, NM_001407301.1); c.1956G>A, p.Leu652= (NM_001407304.1, NM_001407305.1, NM_001407306.1 and 4 more transcripts); c.1794G>A, p.Leu598= (NM_001407307.1); c.1053G>A, p.Leu351= (NM_001407312.1, NM_001407313.1); c.375G>A, p.Leu125= (NM_001407314.1); and 1 more.
Identifiers: ClinVar variation 3780089 (VCV003780089.2).
Genomic context (GRCh38, chr16:23,623,124, plus strand): 5'-TTTTATATTTCCAGACTTCAGTAGTACTTGCTTTTCACTTTCATCATCAGAGGAACAAAA[C>T]AATGCCCTAAGCCAAATATAAGGAAAAATGGGGTGATGTGAGGAGTAACCTTTTAATATT-3'
Protein context (NP_078951.2, residues 937-957): GNLEIREIRA[Leu947=]FCSSDDESEK

ClinVar aggregate classification (germline): Conflicting classifications of pathogenicity. Review status: criteria provided, conflicting classifications (1 of 4 stars). 2 submissions from 2 submitters: Uncertain significance (1); Benign (1). Last evaluated 2025-01-17.

Conditions:
Familial cancer of breast. Also called: Hereditary breast cancer; BREAST CANCER, FAMILIAL; hereditary breast carcinoma. Identifiers: Orphanet 227535, MedGen C0346153, MONDO:0016419, OMIM 114480. Disease mechanism: loss of function.
Breast-ovarian cancer, familial, susceptibility to, 5 (BROVCA5). Identifiers: MedGen C5830615, MONDO:0957530, OMIM 620442.

Submissions (2):

Myriad Genetics, Inc.
Classification: Benign for Familial cancer of breast. Last evaluated: 2025-01-17. Review status: criteria provided, single submitter. Criteria: Myriad Autosomal Dominant, Autosomal Recessive and X-Linked Classification Criteria (2023). Collection method: clinical testing. Allele origin: unknown.
Comment: This variant is considered benign. This variant is a silent/synonymous amino acid change and it is not expected to impact splicing.

Department of Pathology and Laboratory Medicine, Sinai Health System
Classification: Uncertain significance for Breast-ovarian cancer, familial, susceptibility to, 5. Last evaluated: 2022-11-04. Review status: criteria provided, single submitter. Criteria: ACMG Guidelines, 2015. Collection method: clinical testing. Allele origin: germline. Affected: yes.